The following is an entry in ClinVar:

ClinVar aggregate classification (germline): Uncertain significance (1 of 4 stars; one submission).

Conditions:
Catecholaminergic polymorphic ventricular tachycardia 1. Also called: VENTRICULAR TACHYCARDIA, CATECHOLAMINERGIC POLYMORPHIC, 1, WITH OR WITHOUT ATRIAL DYSFUNCTION AND/OR DILATED CARDIOMYOPATHY; RYR2-Related Catecholaminergic Polymorphic Ventricular Tachycardia; VENTRICULAR TACHYCARDIA, STRESS-INDUCED POLYMORPHIC 1. Identifiers: Orphanet 3286, MedGen C1631597, MONDO:0011484, OMIM 604772.

Allele frequency attached by ClinVar (database versions not stated): gnomAD exomes below 0.00001 and 0.00001; TOPMed below 0.00001.
gnomAD v4.1: 2 of 1,613,864 alleles (0.00012%); highest among the groups gnomAD compares: Admixed American, 0.0033%; no homozygotes.

Submission:

Labcorp Genetics (formerly Invitae), Labcorp
Classification: Uncertain significance for Catecholaminergic polymorphic ventricular tachycardia 1. Last evaluated: 2026-01-07. Review status: criteria provided, single submitter. Criteria: Invitae Variant Classification Sherloc (09022015). Collection method: clinical testing. Allele origin: germline.
Comment: This sequence change replaces methionine, which is neutral and non-polar, with leucine, which is neutral and non-polar, at codon 4274 of the RYR2 protein (p.Met4274Leu). This variant is present in population databases (no rsID available, gnomAD 0.006%). This variant has not been reported in the literature in individuals affected with RYR2-related conditions. ClinVar contains an entry for this variant (Variation ID: 1499771). Invitae Evidence Modeling of protein sequence and biophysical properties (such as structural, functional, and spatial information, amino acid conservation, physicochemical variation, residue mobility, and thermodynamic stability) indicates that this missense variant is not expected to disrupt RYR2 protein function with a negative predictive value of 95%. In summary, the available evidence is currently insufficient to determine the role of this variant in disease. Therefore, it has been classified as a Variant of Uncertain Significance.

NM_001035.3(RYR2):c.12820A>T (p.Met4274Leu)

Genes: RYR2 (ryanodine receptor 2; plus strand), LOC126806068 (BRD4-independent group 4 enhancer GRCh37_chr1:237947411-237948610; plus strand). Cytogenetic location: 1q43.
Variant type: single nucleotide variant.
Coding change: c.12820A>T on transcript NM_001035.3 (MANE Select); coding-DNA position 12820, A replaced by T.
Protein change: p.Met4274Leu; replaces methionine 4274 with leucine.
Molecular consequence: missense variant.
Genome position (GRCh38, 1-based): chr1:237,784,532, A>T. VCF-style: chr1-237784532-A-T. GRCh37 (hg19) VCF-style: chr1-237947832-A-T.
Other names: short protein forms M4274L.
Identifiers: ClinVar variation 1499771 (VCV001499771.9), dbSNP rs1304617213, ClinGen allele CA345414325.
Genomic context (GRCh38, chr1:237,784,532, plus strand): 5'-ACCCTTATGCGAATGCTCAGTCTGAAGAGCCTGAAGAAGCAGATGAAAAAAGTAAAAAAG[A>T]TGACCGTGAAGGACATGGTCACGGCCTTCTTTTCATCCTACTGGAGTATTTTCATGACCC-3'
Protein context (NP_001026.2, residues 4264-4284): LKKQMKKVKK[Met4274Leu]TVKDMVTAFF